The following is an entry in ClinVar:

ClinVar aggregate classification (germline): Uncertain significance (1 of 4 stars; one submission).

gnomAD v4.1: 2 of 1,614,096 alleles (0.00012%); highest among the groups gnomAD compares: Non-Finnish European, 0.00017%; no homozygotes.

Submission:

Labcorp Genetics (formerly Invitae), Labcorp
Classification: Uncertain significance. Last evaluated: 2024-04-08. Review status: criteria provided, single submitter. Criteria: Invitae Variant Classification Sherloc (09022015). Collection method: clinical testing. Allele origin: germline.
Comment: This sequence change replaces threonine, which is neutral and polar, with alanine, which is neutral and non-polar, at codon 556 of the CTNNB1 protein (p.Thr556Ala). This variant is not present in population databases (gnomAD no frequency). This variant has not been reported in the literature in individuals affected with CTNNB1-related conditions. Advanced modeling of protein sequence and biophysical properties (such as structural, functional, and spatial information, amino acid conservation, physicochemical variation, residue mobility, and thermodynamic stability) performed at Invitae indicates that this missense variant is not expected to disrupt CTNNB1 protein function with a negative predictive value of 80%. In summary, the available evidence is currently insufficient to determine the role of this variant in disease. Therefore, it has been classified as a Variant of Uncertain Significance.

NM_001904.4(CTNNB1):c.1666A>G (p.Thr556Ala)

Genes: CTNNB1 (catenin beta 1; plus strand), LOC126806659 (BRD4-independent group 4 enhancer GRCh37_chr3:41274918-41276117; plus strand). Cytogenetic location: 3p22.1.
Variant type: single nucleotide variant.
Coding change: c.1666A>G on transcript NM_001904.4 (MANE Select); coding-DNA position 1666, A replaced by G.
Protein change: p.Thr556Ala; replaces threonine 556 with alanine.
Molecular consequence: missense variant.
Genome position (GRCh38, 1-based): chr3:41,234,280, A>G. VCF-style: chr3-41234280-A-G. GRCh37 (hg19) VCF-style: chr3-41275771-A-G.
Other names: c.1666A>G, p.Thr556Ala (NM_001098209.2, NM_001098210.2); c.1645A>G, p.Thr549Ala (NM_001330729.2); short protein forms T549A, T556A.
Identifiers: ClinVar variation 3606095 (VCV003606095.2).